The following is an entry in ClinVar:

NM_002317.7(LOX):c.143G>C (p.Trp48Ser)

Genes: LOX (lysyl oxidase; minus strand), SRFBP1 (serum response factor binding protein 1; plus strand). Cytogenetic location: 5q23.1.
Variant type: single nucleotide variant.
Coding change: c.143G>C on transcript NM_002317.7 (MANE Select); coding-DNA position 143, G replaced by C.
Protein change: p.Trp48Ser; replaces tryptophan 48 with serine.
Molecular consequence: missense variant.
Genome position (GRCh38, 1-based): chr5:122,077,843, C>G on the plus strand (G>C on the coding strand, the complement: LOX is on the minus strand). VCF-style: chr5-122077843-C-G. GRCh37 (hg19) VCF-style: chr5-121413538-C-G.
Other names: short protein forms W48S.
Identifiers: ClinVar variation 1375541 (VCV001375541.6), dbSNP rs2152591655, ClinGen allele CA360878038.
Genomic context (GRCh38, chr5:122,077,843, plus strand): 5'-CGCTGAGGCTGGTACTGTGAGCCCAGGCTCAGCAAGCTGAACACCTGCCCGTTGTTCTCC[C>G]ATTGGATCTGCTGGCGCCAGGCGCCCGGAGCCGCCGGCGGCTCGCGCGGGGGCTGCTGTT-3'
Protein context (NP_002308.2, residues 38-58): APGAWRQQIQ[Trp48Ser]ENNGQVFSLL

ClinVar aggregate classification (germline): Uncertain significance (1 of 4 stars; one submission).

Submission:

Labcorp Genetics (formerly Invitae), Labcorp
Classification: Uncertain significance. Last evaluated: 2021-08-16. Review status: criteria provided, single submitter. Criteria: Invitae Variant Classification Sherloc (09022015). Collection method: clinical testing. Allele origin: germline.
Comment: This sequence change replaces tryptophan with serine at codon 48 of the LOX protein (p.Trp48Ser). The tryptophan residue is highly conserved and there is a large physicochemical difference between tryptophan and serine. The frequency data for this variant in the population databases is considered unreliable, as metrics indicate insufficient coverage at this position in the ExAC database. This variant has not been reported in the literature in individuals affected with LOX-related conditions. Algorithms developed to predict the effect of missense changes on protein structure and function are either unavailable or do not agree on the potential impact of this missense change (SIFT: "Not Available"; PolyPhen-2: "Probably Damaging"; Align-GVGD: "Not Available"). In summary, the available evidence is currently insufficient to determine the role of this variant in disease. Therefore, it has been classified as a Variant of Uncertain Significance.